The following is an entry in ClinVar:

ClinVar aggregate classification (germline): Likely benign. Review status: criteria provided, single submitter (1 of 4 stars). 2 submissions from 2 submitters: Likely benign (1). 1 of the submissions does not count toward it. Last evaluated 2022-08-16.

Conditions:
NPC1-related disorder. Also called: NPC1-related condition.
Niemann-Pick disease, type C1. Also called: NEUROVISCERAL STORAGE DISEASE WITH VERTICAL SUPRANUCLEAR OPHTHALMOPLEGIA; NIEMANN-PICK DISEASE WITH CHOLESTEROL ESTERIFICATION BLOCK; NIEMANN-PICK DISEASE WITHOUT SPHINGOMYELINASE DEFICIENCY; NIEMANN-PICK DISEASE, CHRONIC NEURONOPATHIC FORM; NIEMANN-PICK DISEASE, VARIANT TYPE C1. Identifiers: Orphanet 646, MedGen C3179455, MONDO:0009757, OMIM 257220.

gnomAD v4.1: 4 of 1,611,918 alleles (0.00025%); highest among the groups gnomAD compares: Non-Finnish European, 0.00034%; no homozygotes.

Submissions (2):

Labcorp Genetics (formerly Invitae), Labcorp
Classification: Likely benign for Niemann-Pick disease, type C1. Last evaluated: 2022-08-16. Review status: criteria provided, single submitter. Criteria: Invitae Variant Classification Sherloc (09022015). Collection method: clinical testing. Allele origin: germline.

PreventionGenetics, part of Exact Sciences
Classification: Likely benign for NPC1-related condition. Last evaluated: 2022-11-28. Review status: no assertion criteria provided. Collection method: clinical testing. Allele origin: germline. Not counted in ClinVar's aggregate classification.
Comment: This variant is classified as likely benign based on ACMG/AMP sequence variant interpretation guidelines (Richards et al. 2015 PMID: 25741868, with internal and published modifications).

NM_000271.5(NPC1):c.1842T>C (p.Asn614=)

Gene: NPC1 (NPC intracellular cholesterol transporter 1; minus strand). Cytogenetic location: 18q11.2.
Variant type: single nucleotide variant.
Coding change: c.1842T>C on transcript NM_000271.5 (MANE Select); coding-DNA position 1842, T replaced by C.
Protein change: p.Asn614=; no amino-acid change (asparagine 614 retained).
Molecular consequence: synonymous variant.
Genome position (GRCh38, 1-based): chr18:23,545,065, A>G on the plus strand (T>C on the coding strand, the complement: NPC1 is on the minus strand). VCF-style: chr18-23545065-A-G. GRCh37 (hg19) VCF-style: chr18-21125029-A-G.
Other names: c.1842T>C (NM_000271.4).
Identifiers: ClinVar variation 1142498 (VCV001142498.11), dbSNP rs1373458567, ClinGen allele CA503522029.
Genomic context (GRCh38, chr18:23,545,065, plus strand): 5'-ATATAGAAACATGATGGCATAGCTAATTACAACGGTGAAGACATCACTGTCACTTTCACG[A>G]TTTAGTTCATCTTCAATACTTCGTTCAGCAGTGAAGGAAATGGTCAGATTGGGATTCTTG-3'
Protein context (NP_000262.2, residues 604-624): TAERSIEDEL[Asn614=]RESDSDVFTV